The following is an entry in ClinVar:

NM_025144.4(ALPK1):c.1835G>T (p.Gly612Val)

Gene: ALPK1 (alpha kinase 1; plus strand). Cytogenetic location: 4q25.
Variant type: single nucleotide variant.
Coding change: c.1835G>T on transcript NM_025144.4 (MANE Select); coding-DNA position 1835, G replaced by T.
Protein change: p.Gly612Val; replaces glycine 612 with valine.
Molecular consequence: missense variant.
Genome position (GRCh38, 1-based): chr4:112,431,382, G>T. VCF-style: chr4-112431382-G-T. GRCh37 (hg19) VCF-style: chr4-113352538-G-T.
Other names: c.1835G>T, p.Gly612Val (NM_001102406.2); c.1601G>T, p.Gly534Val (NM_001253884.2); c.1835G>T (NM_025144.3); short protein forms G612V, G534V.
Identifiers: ClinVar variation 1908915 (VCV001908915.7), dbSNP rs762607500, ClinGen allele CA3046806.

ClinVar aggregate classification (germline): Uncertain significance. Review status: criteria provided, multiple submitters, no conflicts (2 of 4 stars). 3 submissions from 3 submitters: Uncertain significance (3). Last evaluated 2026-04-07.

Conditions:
Inborn genetic diseases. Identifiers: MedGen C0950123, MeSH D030342.

Allele frequency attached by ClinVar (database versions not stated): gnomAD exomes 0.00002.
gnomAD v4.1: 36 of 1,614,076 alleles (0.0022%); highest among the groups gnomAD compares: Non-Finnish European, 0.0028%; no homozygotes.

Submissions (3):

Women's Health and Genetics/Laboratory Corporation of America, LabCorp
Classification: Uncertain significance. Last evaluated: 2026-04-07. Review status: criteria provided, single submitter. Criteria: LabCorp Variant Classification Summary - May 2015. Collection method: clinical testing. Allele origin: germline.

Ambry Genetics
Classification: Uncertain significance for Inborn genetic diseases. Last evaluated: 2025-08-04. Review status: criteria provided, single submitter. Criteria: Ambry Variant Classification Scheme 2023. Collection method: clinical testing. Allele origin: germline.

Labcorp Genetics (formerly Invitae), Labcorp
Classification: Uncertain significance. Last evaluated: 2022-03-04. Review status: criteria provided, single submitter. Criteria: Invitae Variant Classification Sherloc (09022015). Collection method: clinical testing. Allele origin: germline.
Comment: This variant has not been reported in the literature in individuals affected with ALPK1-related conditions. This variant is present in population databases (rs762607500, gnomAD 0.005%). This sequence change replaces glycine, which is neutral and non-polar, with valine, which is neutral and non-polar, at codon 612 of the ALPK1 protein (p.Gly612Val). Algorithms developed to predict the effect of missense changes on protein structure and function (SIFT, PolyPhen-2, Align-GVGD) all suggest that this variant is likely to be tolerated. In summary, the available evidence is currently insufficient to determine the role of this variant in disease. Therefore, it has been classified as a Variant of Uncertain Significance.